The following is an entry in ClinVar:

NM_000026.4(ADSL):c.173C>G (p.Thr58Arg)

Gene: ADSL (adenylosuccinate lyase; plus strand). Cytogenetic location: 22q13.1.
Variant type: single nucleotide variant.
Coding change: c.173C>G on transcript NM_000026.4 (MANE Select); coding-DNA position 173, C replaced by G.
Protein change: p.Thr58Arg; replaces threonine 58 with arginine.
Molecular consequence: missense variant. On other transcripts: 5 prime UTR variant (1), non-coding transcript variant (1).
Genome position (GRCh38, 1-based): chr22:40,349,851, C>G. VCF-style: chr22-40349851-C-G. GRCh37 (hg19) VCF-style: chr22-40745855-C-G.
Other names: c.173C>G, p.Thr58Arg (NM_001123378.3, NM_001363840.3); c.-20C>G (NM_001317923.2); short protein forms T58R.
Identifiers: ClinVar variation 1468462 (VCV001468462.8), dbSNP rs544172142, ClinGen allele CA411634075.

ClinVar aggregate classification (germline): Uncertain significance (1 of 4 stars; one submission).

Conditions:
Adenylosuccinate lyase deficiency (ADSLD). Also called: ADSL DEFICIENCY. Identifiers: Orphanet 46, MedGen C0268126, MONDO:0007068, OMIM 103050.

Submission:

Labcorp Genetics (formerly Invitae), Labcorp
Classification: Uncertain significance for Adenylosuccinate lyase deficiency. Last evaluated: 2021-05-27. Review status: criteria provided, single submitter. Criteria: Invitae Variant Classification Sherloc (09022015). Collection method: clinical testing. Allele origin: germline.
Comment: This sequence change replaces threonine with arginine at codon 58 of the ADSL protein (p.Thr58Arg). The threonine residue is highly conserved and there is a moderate physicochemical difference between threonine and arginine. Algorithms developed to predict the effect of sequence changes on RNA splicing suggest that this variant may create or strengthen a splice site, but this prediction has not been confirmed by published transcriptional studies. Advanced modeling of protein sequence and biophysical properties (such as structural, functional, and spatial information, amino acid conservation, physicochemical variation, residue mobility, and thermodynamic stability) performed at Invitae indicates that this missense variant is expected to disrupt ADSL protein function. In summary, the available evidence is currently insufficient to determine the role of this variant in disease. Therefore, it has been classified as a Variant of Uncertain Significance. This variant is not present in population databases (ExAC no frequency). This variant has not been reported in the literature in individuals with ADSL-related conditions.